The following is an entry in ClinVar:

NM_020778.5(ALPK3):c.2530C>T (p.Pro844Ser)

Gene: ALPK3 (alpha kinase 3; plus strand). Cytogenetic location: 15q25.3.
Variant type: single nucleotide variant.
Coding change: c.2530C>T on transcript NM_020778.5 (MANE Select); coding-DNA position 2530, C replaced by T.
Protein change: p.Pro844Ser; replaces proline 844 with serine.
Molecular consequence: missense variant.
Genome position (GRCh38, 1-based): chr15:84,857,268, C>T. VCF-style: chr15-84857268-C-T. GRCh37 (hg19) VCF-style: chr15-85400499-C-T.
Other names: p.Pro1046Ser; short protein forms P1046S, P844S.
Identifiers: ClinVar variation 386524 (VCV000386524.25), dbSNP rs115292211, ClinGen allele CA7709440.

ClinVar aggregate classification (germline): Benign. Review status: criteria provided, multiple submitters, no conflicts (2 of 4 stars). 11 submissions from 11 submitters: Benign (8). 3 of the submissions do not count toward it. Last evaluated 2026-02-03.

Conditions:
ALPK3-related disorder. Also called: ALPK3-related condition.
Cardiomyopathy, familial hypertrophic 27. Identifiers: MedGen C4748014, MONDO:0054838, OMIM 618052.
Cardiovascular phenotype. Identifiers: MedGen CN230736.

Allele frequency attached by ClinVar (database versions not stated): ESP Exome Variant Server 0.00015; gnomAD exomes 0.00208 and 0.00928; gnomAD 0.00382 and 0.00387; ExAC 0.00684; 1000 Genomes Project 30x 0.00687; 1000 Genomes Project 0.00699; TOPMed 0.00856.
gnomAD v4.1: 3,640 of 1,614,038 alleles (0.23%); highest among the groups gnomAD compares: Admixed American, 5.6%; 125 homozygotes.

Submissions (13):

Labcorp Genetics (formerly Invitae), Labcorp
Classification: Benign. Last evaluated: 2026-02-03. Review status: criteria provided, single submitter. Criteria: Invitae Variant Classification Sherloc (09022015). Collection method: clinical testing. Allele origin: germline.

Women's Health and Genetics/Laboratory Corporation of America, LabCorp
Classification: Benign. Last evaluated: 2025-12-26. Review status: criteria provided, single submitter. Criteria: LabCorp Variant Classification Summary - May 2015. Collection method: clinical testing. Allele origin: germline.
Comment: Variant summary: ALPK3 c.2530C>T (p.Pro844Ser) results in a non-conservative amino acid change in the encoded protein sequence. Algorithms developed to predict the effect of missense changes on protein structure and function are either unavailable or do not agree on the potential impact of this missense change. The variant allele was found at a frequency of 0.0093 in 250528 control chromosomes, predominantly at a frequency of 0.065 within the Latino subpopulation in the gnomAD database, including 83 homozygotes. The observed variant frequency within Latino control individuals in the gnomAD database exceeds the estimated maximal expected allele frequency for disease-causing variants in ALPK3. To our knowledge, no occurrence of c.2530C>T in individuals affected with ALPK3-related conditions and no experimental evidence demonstrating its impact on protein function have been reported. ClinVar contains an entry for this variant (Variation ID: 386524). Based on the evidence outlined above, the variant was classified as benign.

Molecular Diagnostic Laboratory for Inherited Cardiovascular Disease, Montreal Heart Institute
Classification: Benign. Last evaluated: 2025-04-09. Review status: criteria provided, single submitter. Criteria: ACMG Guidelines, 2015. Collection method: clinical testing. Allele origin: germline. Affected: no.

ARUP Laboratories, Molecular Genetics and Genomics, ARUP Laboratories
Classification: Benign for Cardiomyopathy, familial hypertrophic 27. Last evaluated: 2025-04-07. Review status: criteria provided, single submitter. Criteria: ARUP Molecular Germline Variant Investigation Process 2024. Collection method: clinical testing. Allele origin: germline.

Mayo Clinic Laboratories, Mayo Clinic
Classification: Benign. Last evaluated: 2022-04-26. Review status: criteria provided, single submitter. Criteria: ACMG Guidelines, 2015. Collection method: clinical testing. Allele origin: germline. Observed: 4 variant alleles.

Ambry Genetics
Classification: Benign for Cardiovascular phenotype. Last evaluated: 2019-01-28. Review status: criteria provided, single submitter. Criteria: Ambry Variant Classification Scheme 2023. Collection method: clinical testing. Allele origin: germline.

GeneDx
Classification: Benign. Last evaluated: 2016-10-31. Review status: criteria provided, single submitter. Criteria: GeneDx Variant Classification (06012015). Collection method: clinical testing. Allele origin: germline. Affected: yes.
Comment: This variant is considered likely benign or benign based on one or more of the following criteria: it is a conservative change, it occurs at a poorly conserved position in the protein, it is predicted to be benign by multiple in silico algorithms, and/or has population frequency not consistent with disease.

Breakthrough Genomics
Classification: Benign. Review status: criteria provided, single submitter. Criteria: ACMG Guidelines, 2015. Collection method: not provided. Allele origin: germline. Inheritance: Autosomal recessive inheritance. Affected: yes.

PreventionGenetics, part of Exact Sciences
Classification: Likely benign for ALPK3-related condition. Last evaluated: 2020-05-26. Review status: no assertion criteria provided. Collection method: clinical testing. Allele origin: germline. Not counted in ClinVar's aggregate classification.
Comment: This variant is classified as likely benign based on ACMG/AMP sequence variant interpretation guidelines (Richards et al. 2015 PMID: 25741868, with internal and published modifications).

Clinical Genetics DNA and cytogenetics Diagnostics Lab, Erasmus MC, Erasmus Medical Center
Classification: Benign. Review status: no assertion criteria provided. Collection method: clinical testing. Allele origin: germline. Affected: yes. Study: VKGL Data-share Consensus. Not counted in ClinVar's aggregate classification.

Clinical Genetics, Academic Medical Center
Classification: Benign. Review status: no assertion criteria provided. Collection method: clinical testing. Allele origin: germline. Affected: yes. Study: VKGL Data-share Consensus. Not counted in ClinVar's aggregate classification.

Dr. Peter K. Rogan Lab, Western University
No classification provided (evidence only). Condition: Lung cancer. Review status: no classification provided. Collection method: in vitro. Allele origin: not applicable. Functional consequence: retained intron. Not counted in ClinVar's aggregate classification.

Dr. Peter K. Rogan Lab, Western University
No classification provided (evidence only). Condition: Uterine corpus endometrial carcinoma. Review status: no classification provided. Collection method: in vitro. Allele origin: not applicable. Functional consequence: retained intron. Not counted in ClinVar's aggregate classification.